The following is an entry in ClinVar:

NM_001355436.2(SPTB):c.2563G>A (p.Gly855Arg)

Gene: SPTB (spectrin beta, erythrocytic; minus strand). Cytogenetic location: 14q23.3.
Variant type: single nucleotide variant.
Coding change: c.2563G>A on transcript NM_001355436.2 (MANE Select); coding-DNA position 2563, G replaced by A.
Protein change: p.Gly855Arg; replaces glycine 855 with arginine.
Molecular consequence: missense variant.
Genome position (GRCh38, 1-based): chr14:64,793,100, C>T on the plus strand (G>A on the coding strand, the complement: SPTB is on the minus strand). VCF-style: chr14-64793100-C-T. GRCh37 (hg19) VCF-style: chr14-65259818-C-T.
Other names: p.(Gly855Arg); c.2563G>A, p.Gly855Arg (NM_001024858.4, NM_001355437.2); short protein forms G855R.
Identifiers: ClinVar variation 4852837 (VCV004852837.1).

ClinVar aggregate classification (germline): Uncertain significance (1 of 4 stars; one submission).

Conditions:
Hereditary spherocytosis type 2. Also called: SPHEROCYTOSIS, TYPE 2, AUTOSOMAL DOMINANT. Identifiers: Orphanet 822, MedGen C2674219, MONDO:0000913, OMIM 616649.

gnomAD v4.1: 43 of 1,614,020 alleles (0.0027%); highest among the groups gnomAD compares: Middle Eastern, 0.016%; no homozygotes.

Submission:

Department of Pediatrics, Duzce University
Classification: Uncertain significance for Hereditary spherocytosis type 2. Last evaluated: 2024-02-12. Review status: criteria provided, single submitter. Criteria: ACMG Guidelines, 2015. Collection method: research. Allele origin: germline. Inheritance: Autosomal dominant inheritance. Affected: yes.
Comment: Missense variant p.(Gly855Arg) of uncertain significance. Rare in population databases (PM2_supporting); in silico predictions insufficient or conflicting; no adequate functional or segregation evidence. Applied ACMG/AMP criteria: PM2_supporting. Classification: Uncertain significance.